The following is an entry in ClinVar:

NM_007294.4(BRCA1):c.5078C>T (p.Ala1693Val)

Gene: BRCA1 (BRCA1 DNA repair associated; minus strand). Cytogenetic location: 17q21.31.
Variant type: single nucleotide variant.
Coding change: c.5078C>T on transcript NM_007294.4 (MANE Select); coding-DNA position 5078, C replaced by T.
Protein change: p.Ala1693Val; replaces alanine 1693 with valine.
Molecular consequence: missense variant. On other transcripts: non-coding transcript variant (1).
Genome position (GRCh38, 1-based): chr17:43,063,948, G>A on the plus strand (C>T on the coding strand, the complement: BRCA1 is on the minus strand). VCF-style: chr17-43063948-G-A. GRCh37 (hg19) VCF-style: chr17-41215965-G-A.
Other names: c.1556C>T, p.Ala519Val (NM_001408481.1, NM_001408482.1, NM_001408483.1 and 5 more transcripts); c.1505C>T, p.Ala502Val (NM_001408501.1, NM_001408496.1, NM_001408497.1 and 3 more transcripts); c.1502C>T, p.Ala501Val (NM_001408502.1, NM_001408503.1, NM_001408504.1); c.1499C>T, p.Ala500Val (NM_001408505.1); c.1442C>T, p.Ala481Val (NM_001408506.1); c.1439C>T, p.Ala480Val (NM_001408507.1); c.1430C>T, p.Ala477Val (NM_001408508.1); c.1427C>T, p.Ala476Val (NM_001408509.1); and 71 more; short protein forms A1693V, A1646V, A589V, A1714V, A1539V, A1605V, A1644V, A1667V.
Identifiers: ClinVar variation 631209 (VCV000631209.10), dbSNP rs1567769586, ClinGen allele CA10591365.

ClinVar aggregate classification (germline): Uncertain significance. Review status: criteria provided, multiple submitters, no conflicts (2 of 4 stars). 3 submissions from 3 submitters: Uncertain significance (3). Last evaluated 2025-05-22.

Conditions:
Hereditary breast ovarian cancer syndrome. Also called: Hereditary breast and ovarian cancer syndrome (HBOC); Hereditary breast and ovarian cancer; BRCA1- and BRCA2-Associated Hereditary Breast and Ovarian Cancer; Breast and ovarian cancer; Hereditary breast and ovarian cancer syndrome; Hereditary breast and/or ovarian cancer syndrome. Identifiers: Orphanet 145, MedGen C0677776, MeSH D061325, MONDO:0003582. Disease mechanism: loss of function.
Breast-ovarian cancer, familial, susceptibility to, 1 (BROVCA1). Also called: OVARIAN CANCER, SUSCEPTIBILITY TO; BRCA1 Hereditary Breast and Ovarian Cancer. Identifiers: Orphanet 145, MedGen C2676676, MONDO:0011450, OMIM 604370. Disease mechanism: loss of function.
Hereditary cancer-predisposing syndrome. Also called: Hereditary neoplastic syndrome; Tumor predisposition; Hereditary Cancer Syndrome; Neoplastic Syndromes, Hereditary. Identifiers: Orphanet 140162, MedGen C0027672, MeSH D009386, MONDO:0015356.

Submissions (4):

Labcorp Genetics (formerly Invitae), Labcorp
Classification: Uncertain significance for Hereditary breast ovarian cancer syndrome. Last evaluated: 2025-05-22. Review status: criteria provided, single submitter. Criteria: Invitae Variant Classification Sherloc (09022015). Collection method: clinical testing. Allele origin: germline.
Comment: This sequence change replaces alanine, which is neutral and non-polar, with valine, which is neutral and non-polar, at codon 1693 of the BRCA1 protein (p.Ala1693Val). This variant is not present in population databases (gnomAD no frequency). This variant has not been reported in the literature in individuals affected with BRCA1-related conditions. ClinVar contains an entry for this variant (Variation ID: 631209). Invitae Evidence Modeling incorporating data from in vitro experimental studies (PMID: 30209399) indicates that this missense variant is expected to disrupt BRCA1 function with a positive predictive value of 95%. In summary, the available evidence is currently insufficient to determine the role of this variant in disease. Therefore, it has been classified as a Variant of Uncertain Significance.

Color Diagnostics, LLC DBA Color Health
Classification: Uncertain significance for Hereditary cancer-predisposing syndrome. Last evaluated: 2024-09-04. Review status: criteria provided, single submitter. Criteria: ACMG Guidelines, 2015. Collection method: clinical testing. Allele origin: germline.
Comment: This missense variant replaces alanine with valine at codon 1693 of the BRCA1 protein. Computational prediction is inconclusive regarding the impact of this variant on protein structure and function. This single nucleotide substitution is located near the intron 16 splice acceptor site, and splicing prediction programs indicate that this variant may weaken this splice site (PMID: 30661751, 35449021). A functional study has reported that this variant impacts BRCA1 function in a haploid cell proliferation assay with an intermediate depletion of RNA (PMID: 30209399). To our knowledge, this variant has not been reported in individuals affected with BRCA1-related disorders in the literature. An in-frame deletion c.5078_5080del (p.Ala1693del) has been observed in an individual affected with ovarian cancer and RNA analysis detected the in-frame skipping of exon 17 (PMID: 12955719). This variant c.5078C>T has been postulated to disrupt an exonic splicing regulatory element (PMID: 32623769). This variant has not been identified in the general population by the Genome Aggregation Database (gnomAD). Although there is a suspicion that this variant may be associated with disease, additional RNA and clinical studies are necessary to determine the role of this variant in disease conclusively. Therefore, this variant is classified as a Variant of Uncertain Significance.

All of Us Research Program, National Institutes of Health
Classification: Uncertain significance for Breast-ovarian cancer, familial, susceptibility to, 1. Last evaluated: 2023-11-28. Review status: criteria provided, single submitter. Criteria: ACMG Guidelines, 2015. Collection method: clinical testing. Allele origin: germline. Inheritance: Autosomal dominant inheritance. Observed: 1 variant allele, 1 heterozygote.
Comment: This study involves interpretation of variants in research participants for the purpose of population health screening. Participant phenotype was not available at the time of variant classification. Additional details can be found in publication PMID: 35346344, PMCID: PMC8962531

Brotman Baty Institute, University of Washington
No classification provided (evidence only). Condition: Breast-ovarian cancer, familial 1. Review status: no classification provided. Collection method: in vitro. Allele origin: not applicable. Functional consequence: functionally_abnormal. Not counted in ClinVar's aggregate classification.
ClinVar note: "not provided" was previously submitted as the classification for the variant. However, the classification appeared to be based only on an observation of functional data so it was converted to no classification on 2025-07-30.

Literature cited by the submitters: PubMed 30209399 (cited by Labcorp Genetics (formerly Invitae), Labcorp and Color Diagnostics, LLC DBA Color Health); PubMed 12955719 (cited by Color Diagnostics, LLC DBA Color Health); PubMed 30661751 (cited by Color Diagnostics, LLC DBA Color Health); PubMed 32623769 (cited by Color Diagnostics, LLC DBA Color Health); PubMed 35449021 (cited by Color Diagnostics, LLC DBA Color Health).